The following is an entry in ClinVar:

NM_145893.3(RBFOX1):c.977G>T (p.Gly326Val)

Gene: RBFOX1 (RNA binding fox-1 homolog 1; plus strand). Cytogenetic location: 16p13.3.
Variant type: single nucleotide variant.
Coding change: c.977G>T on transcript NM_145893.3 (MANE Plus Clinical); coding-DNA position 977, G replaced by T.
Protein change: p.Gly326Val; replaces glycine 326 with valine.
Molecular consequence: missense variant. On other transcripts: intron variant (5).
Genome position (GRCh38, 1-based): chr16:7,671,583, G>T. VCF-style: chr16-7671583-G-T. GRCh37 (hg19) VCF-style: chr16-7721585-G-T.
Other names: c.977G>T, p.Gly326Val (NM_145891.3, NM_145892.3); c.931-5191G>T (NM_001364800.2, NM_018723.4, NM_001142334.2); c.850-5191G>T (NM_001142333.2); c.1060-5191G>T (NM_001308117.1); short protein forms G326V.
Identifiers: ClinVar variation 657047 (VCV000657047.9), dbSNP rs767345247, ClinGen allele CA7891806.

ClinVar aggregate classification (germline): Uncertain significance (1 of 4 stars; one submission).

Conditions:
Idiopathic generalized epilepsy. Also called: Generalised epilepsy; EIG. Identifiers: MedGen C0270850, MONDO:0005579, OMIM 600669.

Allele frequency attached by ClinVar (database versions not stated): ExAC 0.00001; gnomAD exomes 0.00001.
gnomAD v4.1: 7 of 1,611,740 alleles (0.00043%); highest among the groups gnomAD compares: Admixed American, 0.01%; no homozygotes.

Submission:

Labcorp Genetics (formerly Invitae), Labcorp
Classification: Uncertain significance for Idiopathic generalized epilepsy. Last evaluated: 2024-10-16. Review status: criteria provided, single submitter. Criteria: Invitae Variant Classification Sherloc (09022015). Collection method: clinical testing. Allele origin: germline.
Comment: This sequence change replaces glycine, which is neutral and non-polar, with valine, which is neutral and non-polar, at codon 326 of the RBFOX1 protein (p.Gly326Val). This variant is present in population databases (rs767345247, gnomAD 0.01%). This variant has not been reported in the literature in individuals affected with RBFOX1-related conditions. ClinVar contains an entry for this variant (Variation ID: 657047). Invitae Evidence Modeling of protein sequence and biophysical properties (such as structural, functional, and spatial information, amino acid conservation, physicochemical variation, residue mobility, and thermodynamic stability) indicates that this missense variant is not expected to disrupt RBFOX1 protein function with a negative predictive value of 80%. Algorithms developed to predict the effect of sequence changes on RNA splicing suggest that this variant may disrupt the consensus splice site. In summary, the available evidence is currently insufficient to determine the role of this variant in disease. Therefore, it has been classified as a Variant of Uncertain Significance.